The following is an entry in ClinVar:

NM_000038.6(APC):c.5369G>C (p.Arg1790Thr)

Gene: APC (APC regulator of Wnt signaling pathway; plus strand). Cytogenetic location: 5q22.2.
Variant type: single nucleotide variant.
Coding change: c.5369G>C on transcript NM_000038.6 (MANE Select); coding-DNA position 5369, G replaced by C.
Protein change: p.Arg1790Thr; replaces arginine 1790 with threonine.
Molecular consequence: missense variant. On other transcripts: non-coding transcript variant (2).
Genome position (GRCh38, 1-based): chr5:112,840,963, G>C. VCF-style: chr5-112840963-G-C. GRCh37 (hg19) VCF-style: chr5-112176660-G-C.
Other names: c.5369G>C, p.Arg1790Thr (NM_001127510.3, NM_001354895.2, NM_001407450.1); c.5315G>C, p.Arg1772Thr (NM_001127511.3); c.5423G>C, p.Arg1808Thr (NM_001354896.2, NM_001407447.1, NM_001407448.1 and 1 more transcripts); c.5399G>C, p.Arg1800Thr (NM_001354897.2); c.5294G>C, p.Arg1765Thr (NM_001354898.2); c.5285G>C, p.Arg1762Thr (NM_001354899.2); c.5246G>C, p.Arg1749Thr (NM_001354900.2); c.5192G>C, p.Arg1731Thr (NM_001354901.2, NM_001407453.1); and 11 more; short protein forms R1630T, R1661T, R1765T, R1783T, R1800T, R1406T, R1664T, R1749T.
Identifiers: ClinVar variation 2587002 (VCV002587002.5), dbSNP rs1158503665, ClinGen allele CA16033064.

ClinVar aggregate classification (germline): Uncertain significance. Review status: criteria provided, multiple submitters, no conflicts (2 of 4 stars). 2 submissions from 2 submitters: Uncertain significance (2). Last evaluated 2024-05-08.

Conditions:
Familial adenomatous polyposis 1 (FAP1). Also called: FAMILIAL ADENOMATOUS POLYPOSIS 1, ATTENUATED; POLYPOSIS, ADENOMATOUS INTESTINAL. Identifiers: MedGen C2713442, MONDO:0021056, OMIM 175100. Disease mechanism: loss of function.
Hereditary cancer-predisposing syndrome. Also called: Hereditary neoplastic syndrome; Tumor predisposition; Hereditary Cancer Syndrome; Neoplastic Syndromes, Hereditary. Identifiers: Orphanet 140162, MedGen C0027672, MeSH D009386, MONDO:0015356.

Submissions (2):

Labcorp Genetics (formerly Invitae), Labcorp
Classification: Uncertain significance for Familial adenomatous polyposis 1. Last evaluated: 2024-05-08. Review status: criteria provided, single submitter. Criteria: Invitae Variant Classification Sherloc (09022015). Collection method: clinical testing. Allele origin: germline.
Comment: This sequence change replaces arginine, which is basic and polar, with threonine, which is neutral and polar, at codon 1790 of the APC protein (p.Arg1790Thr). This variant is not present in population databases (gnomAD no frequency). This variant has not been reported in the literature in individuals affected with APC-related conditions. ClinVar contains an entry for this variant (Variation ID: 2587002). Advanced modeling of protein sequence and biophysical properties (such as structural, functional, and spatial information, amino acid conservation, physicochemical variation, residue mobility, and thermodynamic stability) performed at Invitae indicates that this missense variant is not expected to disrupt APC protein function with a negative predictive value of 95%. In summary, the available evidence is currently insufficient to determine the role of this variant in disease. Therefore, it has been classified as a Variant of Uncertain Significance.

Ambry Genetics
Classification: Uncertain significance for Hereditary cancer-predisposing syndrome. Last evaluated: 2023-07-20. Review status: criteria provided, single submitter. Criteria: Ambry Variant Classification Scheme 2023. Collection method: clinical testing. Allele origin: germline.
Comment: The p.R1790T variant (also known as c.5369G>C), located in coding exon 15 of the APC gene, results from a G to C substitution at nucleotide position 5369. The arginine at codon 1790 is replaced by threonine, an amino acid with similar properties. This amino acid position is well conserved in available vertebrate species. In addition, in silico predictors for this gene do not accurately predict pathogenicity. Since supporting evidence is limited at this time, the clinical significance of this alteration remains unclear.